The following is an entry in ClinVar:

ClinVar aggregate classification (germline): Conflicting classifications of pathogenicity. Review status: criteria provided, conflicting classifications (1 of 4 stars). 2 submissions from 2 submitters: Uncertain significance (1); Likely benign (1). Last evaluated 2025-11-06.

Allele frequency attached by ClinVar (database versions not stated): gnomAD 0.00002; TOPMed 0.00001.
gnomAD v4.1: 9 of 1,550,102 alleles (0.00058%); highest among the groups gnomAD compares: East Asian, 0.0024%; no homozygotes.

Submissions (2):

Labcorp Genetics (formerly Invitae), Labcorp
Classification: Likely benign. Last evaluated: 2025-11-06. Review status: criteria provided, single submitter. Criteria: Invitae Variant Classification Sherloc (09022015). Collection method: clinical testing. Allele origin: germline.

Greenwood Genetic Center Diagnostic Laboratories, Greenwood Genetic Center
Classification: Uncertain significance. Last evaluated: 2024-08-23. Review status: criteria provided, single submitter. Criteria: ACMG Guidelines, 2015. Collection method: clinical testing. Allele origin: germline. Affected: yes.
Comment: PM2, BP4

NM_001367624.2(ZNF469):c.1128G>A (p.Leu376=)

Gene: ZNF469 (zinc finger protein 469; plus strand). Cytogenetic location: 16q24.2.
Variant type: single nucleotide variant.
Coding change: c.1128G>A on transcript NM_001367624.2 (MANE Select); coding-DNA position 1128, G replaced by A.
Protein change: p.Leu376=; no amino-acid change (leucine 376 retained).
Molecular consequence: synonymous variant.
Genome position (GRCh38, 1-based): chr16:88,428,598, G>A. VCF-style: chr16-88428598-G-A. GRCh37 (hg19) VCF-style: chr16-88495006-G-A.
Identifiers: ClinVar variation 2107965 (VCV002107965.5), dbSNP rs1234817297, ClinGen allele CA497352973.
Genomic context (GRCh38, chr16:88,428,598, plus strand): 5'-TTCCCCTGGAGCTGCTCACTCGGCCCCGAGACCCTTCTCTGACAGTTTACACAAGAGCCT[G>A]ACCAAAATCCTTCCCGAAAGACCACCTTCAGCCCAGGATGGGCTGGGGAGCACGAGAGGG-3'
Protein context (NP_001354553.1, residues 366-386): RPFSDSLHKS[Leu376=]TKILPERPPS